The following is an entry in ClinVar:

ClinVar aggregate classification (germline): Uncertain significance (1 of 4 stars; one submission).

Submission:

Labcorp Genetics (formerly Invitae), Labcorp
Classification: Uncertain significance. Last evaluated: 2023-11-27. Review status: criteria provided, single submitter. Criteria: Invitae Variant Classification Sherloc (09022015). Collection method: clinical testing. Allele origin: germline.
Comment: This variant, c.1119_1121del, results in the deletion of 1 amino acid(s) of the ACBD5 protein (p.Glu373del), but otherwise preserves the integrity of the reading frame. This variant is present in population databases (no rsID available, gnomAD 0.0009%). This variant has not been reported in the literature in individuals affected with ACBD5-related conditions. Experimental studies and prediction algorithms are not available or were not evaluated, and the functional significance of this variant is currently unknown. In summary, the available evidence is currently insufficient to determine the role of this variant in disease. Therefore, it has been classified as a Variant of Uncertain Significance.

NM_145698.5(ACBD5):c.1116AGA[1] (p.Glu373del)

Gene: ACBD5 (acyl-CoA binding domain containing 5; minus strand). Cytogenetic location: 10p12.1.
Variant type: Microsatellite.
Coding change: c.1116AGA[1] on transcript NM_145698.5 (MANE Select); one copy of the 3-base unit AGA starting at c.1116; the reference has two copies in a row; one copy, 3 bases deleted.
Protein change: p.Glu373del; deletes glutamic acid 373.
Molecular consequence: inframe deletion.
Genome position (GRCh38, 1-based): chr10:27,210,897-27,210,899, TCT deleted on the plus strand (AGA on the coding strand, the reverse complement: ACBD5 is on the minus strand); deleting any 3 consecutive bases within chr10:27,210,897-27,210,902 gives the same sequence; the position shown is the placement nearest the transcript's 3' end. VCF-style (leftmost placement, unchanged base first): chr10-27210896-ATCT-A. GRCh37 (hg19) VCF-style: chr10-27499825-ATCT-A.
Other names: c.1011AGA[1], p.Glu338del (NM_001042473.4, NM_001352577.2, NM_001352578.2 and 1 more transcripts); c.1110AGA[1], p.Glu371del (NM_001271512.3); c.789AGA[1], p.Glu264del (NM_001301251.2, NM_001301252.2, NM_001301253.2 and 2 more transcripts); c.585AGA[1], p.Glu196del (NM_001301254.2); c.1170AGA[1], p.Glu391del (NM_001352568.1); c.1149AGA[1], p.Glu384del (NM_001352569.1); c.1116AGA[1], p.Glu373del (NM_001352570.1); c.1143AGA[1], p.Glu382del (NM_001352571.1); and 10 more; short protein forms E264del, E275del, E305del, E314del, E349del, E380del, E196del, E270del.
Identifiers: ClinVar variation 1444974 (VCV001444974.8), dbSNP rs1318273604, ClinGen allele CA592780614.
Genomic context (GRCh38, chr10:27,210,896, plus strand): 5'-GAATTCGTCAGTTTCTCCGCCTCGCTTCTCCCGGTGTGGTGCTCCGCTGTTATTCCTGCC[ATCT>A]TCTCCTCCATGCTTGACTTCACCTTTTCCTTCAACTGCAACCACCTGCATATTCCCAATG-3'